The following is an entry in ClinVar:

NM_212482.4(FN1):c.2449= (p.Thr817=)

Gene: FN1 (fibronectin 1; minus strand). Cytogenetic location: 2q35.
Variant type: Variation.
Coding change: c.2449= on transcript NM_212482.4 (MANE Select); coding-DNA position 2449, no change from the reference sequence.
Protein change: p.Thr817=; no amino-acid change (threonine 817 retained).
Molecular consequence: no sequence alteration.
Genome position: GRCh38 VCF-style: chr2-215408177-T-T. GRCh37 (hg19) VCF-style: chr2-216272900-T-T.
Other names: c.2449=, p.Thr817= (NM_001306129.2, NM_001306130.2, NM_001306131.2 and 13 more transcripts).
Identifiers: ClinVar variation 2854472 (VCV002854472.3).

ClinVar aggregate classification (germline): Uncertain significance (1 of 4 stars; one submission).

Submission:

Labcorp Genetics (formerly Invitae), Labcorp
Classification: Uncertain significance. Last evaluated: 2025-12-18. Review status: criteria provided, single submitter. Criteria: Invitae Variant Classification Sherloc (09022015). Collection method: clinical testing. Allele origin: germline.
Comment: This sequence change replaces proline, which is neutral and non-polar, with threonine, which is neutral and polar, at codon 817 of the FN1 protein (p.Pro817Thr). This variant is present in population databases (no rsID available, gnomAD 0.02%). This variant has not been reported in the literature in individuals affected with FN1-related conditions. Experimental studies and prediction algorithms are not available or were not evaluated, and the functional significance of this variant is currently unknown. In summary, the available evidence is currently insufficient to determine the role of this variant in disease. Therefore, it has been classified as a Variant of Uncertain Significance.